The following is an entry in ClinVar:

ClinVar aggregate classification (germline): Uncertain significance. Review status: criteria provided, multiple submitters, no conflicts (2 of 4 stars). 5 submissions from 5 submitters: Uncertain significance (4). 1 of the submissions does not count toward it. Last evaluated 2024-06-10.

Conditions:
BBS7-related disorder. Also called: BBS7-related condition.
Bardet-Biedl syndrome (BBS). Identifiers: Orphanet 110, MedGen C0752166, MONDO:0015229.
Bardet-Biedl syndrome 7 (BBS7). Identifiers: Orphanet 110, MedGen C1859565, MONDO:0014435, OMIM 615984.

Allele frequency attached by ClinVar (database versions not stated): ExAC 0.00006; gnomAD 0.00006 and 0.00007; TOPMed 0.00006; gnomAD exomes 0.00008; ESP Exome Variant Server 0.00015; 1000 Genomes Project 30x 0.00016; 1000 Genomes Project 0.00020.
gnomAD v4.1: 249 of 1,613,960 alleles (0.015%); highest among the groups gnomAD compares: Non-Finnish European, 0.02%; no homozygotes.

Submissions (5):

Fulgent Genetics
Classification: Uncertain significance for Bardet-Biedl syndrome 7. Last evaluated: 2024-06-10. Review status: criteria provided, single submitter. Criteria: ACMG Guidelines, 2015. Collection method: clinical testing. Allele origin: germline.

Labcorp Genetics (formerly Invitae), Labcorp
Classification: Uncertain significance for Bardet-Biedl syndrome. Last evaluated: 2022-06-13. Review status: criteria provided, single submitter. Criteria: Invitae Variant Classification Sherloc (09022015). Collection method: clinical testing. Allele origin: germline.
Comment: This sequence change replaces proline, which is neutral and non-polar, with threonine, which is neutral and polar, at codon 535 of the BBS7 protein (p.Pro535Thr). This variant is present in population databases (rs143700362, gnomAD 0.02%). This variant has not been reported in the literature in individuals affected with BBS7-related conditions. ClinVar contains an entry for this variant (Variation ID: 347481). Algorithms developed to predict the effect of missense changes on protein structure and function (SIFT, PolyPhen-2, Align-GVGD) all suggest that this variant is likely to be tolerated. In summary, the available evidence is currently insufficient to determine the role of this variant in disease. Therefore, it has been classified as a Variant of Uncertain Significance.

Women's Health and Genetics/Laboratory Corporation of America, LabCorp
Classification: Uncertain significance. Last evaluated: 2022-05-11. Review status: criteria provided, single submitter. Criteria: LabCorp Variant Classification Summary - May 2015. Collection method: clinical testing. Allele origin: germline.
Comment: Variant summary: BBS7 c.1603C>A (p.Pro535Thr) results in a non-conservative amino acid change in the encoded protein sequence. Three of five in-silico tools predict a benign effect of the variant on protein function. The variant allele was found at a frequency of 7.6e-05 in 251304 control chromosomes. This frequency is not significantly higher than expected for a pathogenic variant in BBS7 causing Bardet-Biedl Syndrome (7.6e-05 vs 0.00062), allowing no conclusion about variant significance. To our knowledge, no occurrence of c.1603C>A in individuals affected with Bardet-Biedl Syndrome and no experimental evidence demonstrating its impact on protein function have been reported. Two clinical diagnostic laboratories have submitted clinical-significance assessments for this variant to ClinVar after 2014 without evidence for independent evaluation. All laboratories classified the variant as uncertain significance. Based on the evidence outlined above, the variant was classified as uncertain significance.

Illumina Laboratory Services, Illumina
Classification: Uncertain significance for Bardet-Biedl syndrome 7. Last evaluated: 2018-01-13. Review status: criteria provided, single submitter. Criteria: ICSL Variant Classification Criteria 13 December 2019. Collection method: clinical testing. Allele origin: germline.

PreventionGenetics, part of Exact Sciences
Classification: Uncertain significance for BBS7-related condition. Last evaluated: 2024-06-18. Review status: no assertion criteria provided. Collection method: clinical testing. Allele origin: germline. Not counted in ClinVar's aggregate classification.
Comment: The BBS7 c.1603C>A variant is predicted to result in the amino acid substitution p.Pro535Thr. To our knowledge, this variant has not been reported in the literature in individuals with BBS7-related disease. This variant is reported in 0.019% of alleles in individuals of European (Non-Finnish) descent in gnomAD. At this time, the clinical significance of this variant is uncertain due to the absence of conclusive functional and genetic evidence.

NM_176824.3(BBS7):c.1603C>A (p.Pro535Thr)

Gene: BBS7 (Bardet-Biedl syndrome 7; minus strand). Cytogenetic location: 4q27.
Variant type: single nucleotide variant.
Coding change: c.1603C>A on transcript NM_176824.3 (MANE Select); coding-DNA position 1603, C replaced by A.
Protein change: p.Pro535Thr; replaces proline 535 with threonine.
Molecular consequence: missense variant.
Genome position (GRCh38, 1-based): chr4:121,833,304, G>T on the plus strand (C>A on the coding strand, the complement: BBS7 is on the minus strand). VCF-style: chr4-121833304-G-T. GRCh37 (hg19) VCF-style: chr4-122754459-G-T.
Other names: c.1603C>A, p.Pro535Thr (NM_018190.4); short protein forms P535T.
Identifiers: ClinVar variation 347481 (VCV000347481.13), dbSNP rs143700362, ClinGen allele CA3064178.
Genomic context (GRCh38, chr4:121,833,304, plus strand): 5'-CAAGTTGTGTATCTAGAAAGGTGTTCTGAAAGTAAAATGTCACACATTCTCCTGCTGGAG[G>T]TTTTTCTGGAACTTCAGGCAGACAAAAAACCACCCAGGAGTGAACTTCAGCAAAACTGAA-3'
Protein context (NP_789794.1, residues 525-545): VFCLPEVPEK[Pro535Thr]PAGECVTFYF